The following is an entry in ClinVar:

ClinVar aggregate classification (germline): Uncertain significance (1 of 4 stars; one submission).

Conditions:
Very long chain acyl-CoA dehydrogenase deficiency (ACADVLD). Also called: Very Long-Chain Acyl-Coenzyme A Dehydrogenase Deficiency; VLCAD Deficiency. Identifiers: Orphanet 26793, MedGen C3887523, MONDO:0008723, OMIM 201475.

gnomAD v4.1: 8 of 1,613,978 alleles (0.0005%); highest among the groups gnomAD compares: Non-Finnish European, 0.00068%; no homozygotes.

Submission:

Labcorp Genetics (formerly Invitae), Labcorp
Classification: Uncertain significance for Very long chain acyl-CoA dehydrogenase deficiency. Last evaluated: 2021-12-27. Review status: criteria provided, single submitter. Criteria: Invitae Variant Classification Sherloc (09022015). Collection method: clinical testing. Allele origin: germline.
Comment: This sequence change replaces serine, which is neutral and polar, with asparagine, which is neutral and polar, at codon 590 of the ACADVL protein (p.Ser590Asn). This variant is not present in population databases (gnomAD no frequency). This variant has not been reported in the literature in individuals affected with ACADVL-related conditions. Algorithms developed to predict the effect of missense changes on protein structure and function output the following: SIFT: "Tolerated"; PolyPhen-2: "Benign"; Align-GVGD: "Class C0". The asparagine amino acid residue is found in multiple mammalian species, which suggests that this missense change does not adversely affect protein function. In summary, the available evidence is currently insufficient to determine the role of this variant in disease. Therefore, it has been classified as a Variant of Uncertain Significance.

NM_000018.4(ACADVL):c.1769G>A (p.Ser590Asn)

Gene: ACADVL (acyl-CoA dehydrogenase very long chain; plus strand). Cytogenetic location: 17p13.1.
Variant type: single nucleotide variant.
Coding change: c.1769G>A on transcript NM_000018.4 (MANE Select); coding-DNA position 1769, G replaced by A.
Protein change: p.Ser590Asn; replaces serine 590 with asparagine.
Molecular consequence: missense variant.
Genome position (GRCh38, 1-based): chr17:7,224,826, G>A. VCF-style: chr17-7224826-G-A. GRCh37 (hg19) VCF-style: chr17-7128145-G-A.
Other names: c.1703G>A, p.Ser568Asn (NM_001033859.3); c.1838G>A, p.Ser613Asn (NM_001270447.2); c.1541G>A, p.Ser514Asn (NM_001270448.2); short protein forms S590N, S514N, S568N, S613N.
Identifiers: ClinVar variation 1895698 (VCV001895698.2), dbSNP rs1368608793, ClinGen allele CA397725839.